The following is an entry in ClinVar:

ClinVar aggregate classification (germline): Uncertain significance. Review status: criteria provided, multiple submitters, no conflicts (2 of 4 stars). 6 submissions from 6 submitters: Uncertain significance (4). 2 of the submissions do not count toward it. Last evaluated 2024-01-02.

Conditions:
Inborn genetic diseases. Identifiers: MedGen C0950123, MeSH D030342.
Hennekam lymphangiectasia-lymphedema syndrome 1 (HKLLS1). Also called: LYMPHATIC DYSPLASIA, GENERALIZED. Identifiers: Orphanet 2136, MedGen C4012050, MONDO:0009337, OMIM 235510.

Allele frequency attached by ClinVar (database versions not stated): ExAC 0.00033; 1000 Genomes Project 0.00040; 1000 Genomes Project 30x 0.00047; TOPMed 0.00051; gnomAD exomes 0.00053 and 0.00094; gnomAD 0.00057 and 0.00058; ESP Exome Variant Server 0.00071.
gnomAD v4.1: 1,367 of 1,549,208 alleles (0.088%); highest among the groups gnomAD compares: Non-Finnish European, 0.11%; 1 homozygote.

Submissions (6):

Clinical Genomics Laboratory, Washington University in St. Louis
Classification: Uncertain significance for Hennekam lymphangiectasia-lymphedema syndrome 1. Last evaluated: 2024-01-02. Review status: criteria provided, single submitter. Criteria: ACMG Guidelines, 2015. Collection method: clinical testing. Allele origin: germline.
Comment: The CCBE1 c.101C>A (p.Thr34Asn) variant was identified at a near heterozygous allelic fraction of 49%, a frequency which may be consistent with it being of germline origin. Computational predictors suggest that the variant does not impact CCBE1 function. This variant has been reported in the ClinVar database as a variant of uncertain significance by 3 submitters (ClinVar Variation ID: 890357). This variant is observed in 85/152,204 alleles in the general population (gnomAD v3.1.2). Due to limited information, and based on ACMG/AMP guidelines for variant interpretation (Richards S et al., PMID: 25741868), the clinical significance of this variant is uncertain at this time.

Labcorp Genetics (formerly Invitae), Labcorp
Classification: Uncertain significance. Last evaluated: 2022-11-01. Review status: criteria provided, single submitter. Criteria: Invitae Variant Classification Sherloc (09022015). Collection method: clinical testing. Allele origin: germline.
Comment: This sequence change replaces threonine, which is neutral and polar, with asparagine, which is neutral and polar, at codon 34 of the CCBE1 protein (p.Thr34Asn). This variant is present in population databases (rs191999971, gnomAD 0.1%), and has an allele count higher than expected for a pathogenic variant. This variant has not been reported in the literature in individuals affected with CCBE1-related conditions. ClinVar contains an entry for this variant (Variation ID: 890357). Algorithms developed to predict the effect of missense changes on protein structure and function are either unavailable or do not agree on the potential impact of this missense change (SIFT: "Deleterious"; PolyPhen-2: "Benign"; Align-GVGD: "Class C0"). In summary, the available evidence is currently insufficient to determine the role of this variant in disease. Therefore, it has been classified as a Variant of Uncertain Significance.

Ambry Genetics
Classification: Uncertain significance for Inborn genetic diseases. Last evaluated: 2021-06-18. Review status: criteria provided, single submitter. Criteria: Ambry Variant Classification Scheme 2023. Collection method: clinical testing. Allele origin: germline.

Illumina Laboratory Services, Illumina
Classification: Uncertain significance for Hennekam lymphangiectasia-lymphedema syndrome 1. Last evaluated: 2018-01-12. Review status: criteria provided, single submitter. Criteria: ICSL Variant Classification Criteria 13 December 2019. Collection method: clinical testing. Allele origin: germline.

Clinical Genetics DNA and cytogenetics Diagnostics Lab, Erasmus MC, Erasmus Medical Center
Classification: Likely benign. Review status: no assertion criteria provided. Collection method: clinical testing. Allele origin: germline. Affected: yes. Study: VKGL Data-share Consensus. Not counted in ClinVar's aggregate classification.

Laboratory of Diagnostic Genome Analysis, Leiden University Medical Center (LUMC)
Classification: Likely benign. Review status: no assertion criteria provided. Collection method: clinical testing. Allele origin: germline. Affected: yes. Study: VKGL Data-share Consensus. Not counted in ClinVar's aggregate classification.

Literature cited by the submitters: PubMed 31453292 (cited by Ambry Genetics).

NM_133459.4(CCBE1):c.101C>A (p.Thr34Asn)

Gene: CCBE1 (collagen and calcium binding EGF domains 1; minus strand). Cytogenetic location: 18q21.32.
Variant type: single nucleotide variant.
Coding change: c.101C>A on transcript NM_133459.4 (MANE Select); coding-DNA position 101, C replaced by A.
Protein change: p.Thr34Asn; replaces threonine 34 with asparagine.
Molecular consequence: missense variant.
Genome position (GRCh38, 1-based): chr18:59,697,242, G>T on the plus strand (C>A on the coding strand, the complement: CCBE1 is on the minus strand). VCF-style: chr18-59697242-G-T. GRCh37 (hg19) VCF-style: chr18-57364474-G-T.
Other names: short protein forms T34N.
Identifiers: ClinVar variation 890357 (VCV000890357.10), dbSNP rs191999971, ClinGen allele CA8980655.